The following is an entry in ClinVar:

ClinVar aggregate classification (germline): Uncertain significance (1 of 4 stars; one submission).

Conditions:
Cardiovascular phenotype. Identifiers: MedGen CN230736.
Hereditary cancer-predisposing syndrome. Also called: Tumor predisposition; Hereditary neoplastic syndrome; Neoplastic Syndromes, Hereditary; Hereditary Cancer Syndrome. Identifiers: Orphanet 140162, MedGen C0027672, MeSH D009386, MONDO:0015356.

Submission:

Ambry Genetics
Classification: Uncertain significance for Cardiovascular phenotype; Hereditary cancer-predisposing syndrome. Last evaluated: 2025-04-01. Review status: criteria provided, single submitter. Criteria: Ambry Variant Classification Scheme 2023. Collection method: clinical testing. Allele origin: germline.
Comment: The p.L1153V variant (also known as c.3457C>G), located in coding exon 26 of the NF1 gene, results from a C to G substitution at nucleotide position 3457. The leucine at codon 1153 is replaced by valine, an amino acid with highly similar properties. This variant was reported in individual(s) with features consistent with neurofibromatosis type 1 (NF1) (Sites ER et al. Am J Med Genet A, 2017 Mar;173:647-653). This amino acid position is highly conserved in available vertebrate species. In addition, the in silico prediction for this alteration is inconclusive. Based on the available evidence, the clinical significance of this variant remains unclear.

Literature cited by the submitters: PubMed 27862945.

NM_001042492.3(NF1):c.3457C>G (p.Leu1153Val)

Gene: NF1 (neurofibromin 1; plus strand). Cytogenetic location: 17q11.2.
Variant type: single nucleotide variant.
Coding change: c.3457C>G on transcript NM_001042492.3 (MANE Select); coding-DNA position 3457, C replaced by G.
Protein change: p.Leu1153Val; replaces leucine 1153 with valine.
Molecular consequence: missense variant.
Genome position (GRCh38, 1-based): chr17:31,232,842, C>G. VCF-style: chr17-31232842-C-G. GRCh37 (hg19) VCF-style: chr17-29559860-C-G.
Other names: c.3457C>G, p.Leu1153Val (NM_000267.4); short protein forms L1153V.
Identifiers: ClinVar variation 4015699 (VCV004015699.1).